The following is an entry in ClinVar:

ClinVar aggregate classification (germline): Uncertain significance (1 of 4 stars; one submission).

Submission:

GeneDx
Classification: Uncertain significance. Last evaluated: 2026-03-19. Review status: criteria provided, single submitter. Criteria: GeneDx Variant Classification Process June 2021. Collection method: clinical testing. Allele origin: germline.
Comment: Not observed at significant frequency in large population cohorts (gnomAD); In silico analysis supports that this missense variant has a deleterious effect on protein structure/function; Has not been previously published as pathogenic or benign to our knowledge; Located in one of the three hot-spot regions of the RYR2 gene, where the majority of pathogenic missense variants occur (PMID: 19926015); This variant is associated with the following publications: (PMID: 19926015)

NM_001035.3(RYR2):c.12223A>G (p.Asn4075Asp)

Gene: RYR2 (ryanodine receptor 2; plus strand). Cytogenetic location: 1q43.
Variant type: single nucleotide variant.
Coding change: c.12223A>G on transcript NM_001035.3 (MANE Select); coding-DNA position 12223, A replaced by G.
Protein change: p.Asn4075Asp; replaces asparagine 4075 with aspartic acid.
Molecular consequence: missense variant.
Genome position (GRCh38, 1-based): chr1:237,783,935, A>G. VCF-style: chr1-237783935-A-G. GRCh37 (hg19) VCF-style: chr1-237947235-A-G.
Other names: short protein forms N4075D.
Identifiers: ClinVar variation 5009449 (VCV005009449.1).